The following is an entry in ClinVar:

ClinVar aggregate classification (germline): Likely benign. Review status: criteria provided, multiple submitters, no conflicts (2 of 4 stars). 3 submissions from 3 submitters: Likely benign (3). Last evaluated 2024-03-04.

Conditions:
Cardiovascular phenotype. Identifiers: MedGen CN230736.
Catecholaminergic polymorphic ventricular tachycardia 1. Also called: VENTRICULAR TACHYCARDIA, CATECHOLAMINERGIC POLYMORPHIC, 1, WITH OR WITHOUT ATRIAL DYSFUNCTION AND/OR DILATED CARDIOMYOPATHY; RYR2-Related Catecholaminergic Polymorphic Ventricular Tachycardia; VENTRICULAR TACHYCARDIA, STRESS-INDUCED POLYMORPHIC 1. Identifiers: Orphanet 3286, MedGen C1631597, MONDO:0011484, OMIM 604772.
Catecholaminergic polymorphic ventricular tachycardia (CVPT). Also called: Catecholamine-induced polymorphic ventricular tachycardia. Identifiers: Orphanet 3286, MedGen C5574922, MONDO:0017990.

Allele frequency attached by ClinVar (database versions not stated): TOPMed 0.00003.

Submissions (3):

Labcorp Genetics (formerly Invitae), Labcorp
Classification: Likely benign for Catecholaminergic polymorphic ventricular tachycardia 1. Last evaluated: 2024-03-04. Review status: criteria provided, single submitter. Criteria: Invitae Variant Classification Sherloc (09022015). Collection method: clinical testing. Allele origin: germline.

All of Us Research Program, National Institutes of Health
Classification: Likely benign for Catecholaminergic polymorphic ventricular tachycardia. Last evaluated: 2023-10-02. Review status: criteria provided, single submitter. Criteria: ACMG Guidelines, 2015. Collection method: clinical testing. Allele origin: germline. Inheritance: Autosomal dominant inheritance. Observed: 1 variant allele, 1 heterozygote.
Comment: This study involves interpretation of variants in research participants for the purpose of population health screening. Participant phenotype was not available at the time of variant classification. Additional details can be found in publication PMID: 35346344, PMCID: PMC8962531

Ambry Genetics
Classification: Likely benign for Cardiovascular phenotype. Last evaluated: 2022-10-14. Review status: criteria provided, single submitter. Criteria: Ambry Variant Classification Scheme 2023. Collection method: clinical testing. Allele origin: germline.

NM_001035.3(RYR2):c.13639C>T (p.Leu4547=)

Gene: RYR2 (ryanodine receptor 2; plus strand). Cytogenetic location: 1q43.
Variant type: single nucleotide variant.
Coding change: c.13639C>T on transcript NM_001035.3 (MANE Select); coding-DNA position 13639, C replaced by T.
Protein change: p.Leu4547=; no amino-acid change (leucine 4547 retained).
Molecular consequence: synonymous variant.
Genome position (GRCh38, 1-based): chr1:237,792,180, C>T. VCF-style: chr1-237792180-C-T. GRCh37 (hg19) VCF-style: chr1-237955480-C-T.
Identifiers: ClinVar variation 1130141 (VCV001130141.13), dbSNP rs1487806159, ClinGen allele CA423827369.
Genomic context (GRCh38, chr1:237,792,180, plus strand): 5'-GTGGTTGAAGGAAAGGAGCTCCCCACGAGAAGTTCAAGTGAAAATGCCAAAGTGACAAGC[C>T]TGGACAGCAGCTCCCATAGAATCATCGCAGTTCACTATGTACTAGAGGAGAGCAGCGGCT-3'
Protein context (NP_001026.2, residues 4537-4557): SSSENAKVTS[Leu4547=]DSSSHRIIAV